The following is an entry in ClinVar:

NM_002691.4(POLD1):c.344C>T (p.Pro115Leu)

Gene: POLD1 (DNA polymerase delta 1, catalytic subunit; plus strand). Cytogenetic location: 19q13.33.
Variant type: single nucleotide variant.
Coding change: c.344C>T on transcript NM_002691.4 (MANE Select); coding-DNA position 344, C replaced by T.
Protein change: p.Pro115Leu; replaces proline 115 with leucine.
Molecular consequence: missense variant. On other transcripts: non-coding transcript variant (1).
Genome position (GRCh38, 1-based): chr19:50,401,805, C>T. VCF-style: chr19-50401805-C-T. GRCh37 (hg19) VCF-style: chr19-50905062-C-T.
Other names: c.344C>T (NM_002691.2); c.344C>T, p.Pro115Leu (NM_001256849.1, NM_001308632.1); short protein forms P115L.
Identifiers: ClinVar variation 1965851 (VCV001965851.8), dbSNP rs2513955150, ClinGen allele CA406972175.

ClinVar aggregate classification (germline): Uncertain significance. Review status: criteria provided, multiple submitters, no conflicts (2 of 4 stars). 3 submissions from 3 submitters: Uncertain significance (3). Last evaluated 2026-04-04.

Conditions:
POLD1-related polyposis and colorectal cancer syndrome (CRCS10). Also called: Colorectal cancer 10; COLORECTAL CANCER, SUSCEPTIBILITY TO, ON CHROMOSOME 19q; Colorectal cancer, susceptibility to, 10. Identifiers: Orphanet 220460, MedGen C2675481, MONDO:0012953, OMIM 612591.
Hereditary cancer-predisposing syndrome. Also called: Tumor predisposition; Hereditary Cancer Syndrome; Hereditary neoplastic syndrome; Neoplastic Syndromes, Hereditary. Identifiers: Orphanet 140162, MedGen C0027672, MeSH D009386, MONDO:0015356.

Allele frequency attached by ClinVar (database versions not stated): gnomAD exomes below 0.00001.
gnomAD v4.1: 1 of 1,613,196 alleles (0.000062%); highest among the groups gnomAD compares: Non-Finnish European, 0.000085%; no homozygotes.

Submissions (3):

Ambry Genetics
Classification: Uncertain significance for Hereditary cancer-predisposing syndrome. Last evaluated: 2026-04-04. Review status: criteria provided, single submitter. Criteria: Ambry Variant Classification Scheme 2023. Collection method: clinical testing. Allele origin: germline.
Comment: The p.P115L variant (also known as c.344C>T), located in coding exon 3 of the POLD1 gene, results from a C to T substitution at nucleotide position 344. The proline at codon 115 is replaced by leucine, an amino acid with similar properties. This amino acid position is conserved. In addition, this alteration is predicted to be tolerated by in silico analysis. Based on the available evidence, the clinical significance of this variant remains unclear.

Center for Genomic Medicine, Rigshospitalet, Copenhagen University Hospital
Classification: Uncertain significance. Last evaluated: 2025-03-04. Review status: criteria provided, single submitter. Criteria: ACMG Guidelines, 2015. Collection method: clinical testing. Allele origin: germline.

Labcorp Genetics (formerly Invitae), Labcorp
Classification: Uncertain significance for POLD1-related polyposis and colorectal cancer syndrome. Last evaluated: 2024-05-06. Review status: criteria provided, single submitter. Criteria: Invitae Variant Classification Sherloc (09022015). Collection method: clinical testing. Allele origin: germline.
Comment: This sequence change replaces proline, which is neutral and non-polar, with leucine, which is neutral and non-polar, at codon 115 of the POLD1 protein (p.Pro115Leu). This variant is not present in population databases (gnomAD no frequency). This variant has not been reported in the literature in individuals affected with POLD1-related conditions. ClinVar contains an entry for this variant (Variation ID: 1965851). An algorithm developed to predict the effect of missense changes on protein structure and function (PolyPhen-2) suggests that this variant is likely to be tolerated. In summary, the available evidence is currently insufficient to determine the role of this variant in disease. Therefore, it has been classified as a Variant of Uncertain Significance.